The following is an entry in ClinVar:

ClinVar aggregate classification (germline): Conflicting classifications of pathogenicity. Review status: criteria provided, conflicting classifications (1 of 4 stars). 2 submissions from 2 submitters: Uncertain significance (1); Likely benign (1). Last evaluated 2025-04-16.

Conditions:
Inborn genetic diseases. Identifiers: MedGen C0950123, MeSH D030342.

Allele frequency attached by ClinVar (database versions not stated): gnomAD 0.00001; ExAC 0.00002; gnomAD exomes 0.00002 and 0.00004; TOPMed 0.00003.
gnomAD v4.1: 29 of 1,612,620 alleles (0.0018%); highest among the groups gnomAD compares: Middle Eastern, 0.049%; no homozygotes.

Submissions (2):

Labcorp Genetics (formerly Invitae), Labcorp
Classification: Uncertain significance. Last evaluated: 2025-04-16. Review status: criteria provided, single submitter. Criteria: Invitae Variant Classification Sherloc (09022015). Collection method: clinical testing. Allele origin: germline.
Comment: This sequence change replaces threonine, which is neutral and polar, with methionine, which is neutral and non-polar, at codon 1301 of the TUBGCP6 protein (p.Thr1301Met). This variant is present in population databases (rs751346612, gnomAD 0.03%). This variant has not been reported in the literature in individuals affected with TUBGCP6-related conditions. ClinVar contains an entry for this variant (Variation ID: 1364389). An algorithm developed to predict the effect of missense changes on protein structure and function outputs the following: PolyPhen-2: "Benign". The methionine amino acid residue is found in multiple mammalian species, which suggests that this missense change does not adversely affect protein function. In summary, the available evidence is currently insufficient to determine the role of this variant in disease. Therefore, it has been classified as a Variant of Uncertain Significance.

Ambry Genetics
Classification: Likely benign for Inborn genetic diseases. Last evaluated: 2022-06-28. Review status: criteria provided, single submitter. Criteria: Ambry Variant Classification Scheme 2023. Collection method: clinical testing. Allele origin: germline.

NM_020461.4(TUBGCP6):c.3902C>T (p.Thr1301Met)

Gene: TUBGCP6 (tubulin gamma complex component 6; minus strand). Cytogenetic location: 22q13.33.
Variant type: single nucleotide variant.
Coding change: c.3902C>T on transcript NM_020461.4 (MANE Select); coding-DNA position 3902, C replaced by T.
Protein change: p.Thr1301Met; replaces threonine 1301 with methionine.
Molecular consequence: missense variant.
Genome position (GRCh38, 1-based): chr22:50,220,457, G>A on the plus strand (C>T on the coding strand, the complement: TUBGCP6 is on the minus strand). VCF-style: chr22-50220457-G-A. GRCh37 (hg19) VCF-style: chr22-50658886-G-A.
Other names: c.3902C>T (NM_020461.3); short protein forms T1301M.
Identifiers: ClinVar variation 1364389 (VCV001364389.9), dbSNP rs751346612, ClinGen allele CA10307787.
Genomic context (GRCh38, chr22:50,220,457, plus strand): 5'-AGCCGTGGCCCACAGTCCAGCACAGTGCTCTGTGCTCCCAGGCTGAGCGCTGACTGGGAC[G>A]TGTGGCCAGGGGGGCTCTGTTGGGGCCTGGGTGTGTTGGGCTCAGCTTCTGGTGAGAGAG-3'
Protein context (NP_065194.3, residues 1291-1311): PRPQQSPPGH[Thr1301Met]SQSALSLGAQ